The following is an entry in ClinVar:

ClinVar aggregate classification (germline): Uncertain significance. Review status: criteria provided, multiple submitters, no conflicts (2 of 4 stars). 2 submissions from 2 submitters: Uncertain significance (2). Last evaluated 2026-02-26.

Conditions:
Orthostatic hypotension 1 (ORTHYP1). Also called: Dopamine beta-hydroxylase deficiency; NORADRENALINE DEFICIENCY; NOREPINEPHRINE DEFICIENCY; Orthostatic hypotension 1, due to DBH deficiency. Identifiers: Orphanet 230, MedGen C4746777, MONDO:0009123, OMIM 223360.
DBH-related disorder. Also called: DBH-related condition.

Allele frequency attached by ClinVar (database versions not stated): ExAC 0.00001; gnomAD 0.00001; gnomAD exomes 0.00002; TOPMed 0.00002.
gnomAD v4.1: 21 of 1,613,618 alleles (0.0013%); highest among the groups gnomAD compares: Admixed American, 0.01%; no homozygotes.

Submissions (2):

PreventionGenetics, part of Exact Sciences
Classification: Uncertain significance for DBH-related condition. Last evaluated: 2026-02-26. Review status: criteria provided, single submitter. Criteria: ACMG Guidelines, 2015. Collection method: clinical testing. Allele origin: germline.
Comment: The DBH c.826G>A variant is predicted to result in the amino acid substitution p.Val276Ile. To our knowledge, this variant has not been reported in the literature. This variant is reported in 0.0029% of alleles in individuals of Latino descent in gnomAD. At this time, the clinical significance of this variant is uncertain due to the absence of conclusive functional and genetic evidence.

Labcorp Genetics (formerly Invitae), Labcorp
Classification: Uncertain significance for Orthostatic hypotension 1. Last evaluated: 2021-09-30. Review status: criteria provided, single submitter. Criteria: Invitae Variant Classification Sherloc (09022015). Collection method: clinical testing. Allele origin: germline.
Comment: This sequence change replaces valine with isoleucine at codon 276 of the DBH protein (p.Val276Ile). The valine residue is weakly conserved and there is a small physicochemical difference between valine and isoleucine. This variant is present in population databases (rs770756255, ExAC 0.002%). This variant has not been reported in the literature in individuals affected with DBH-related conditions. Algorithms developed to predict the effect of missense changes on protein structure and function output the following: SIFT: "Tolerated"; PolyPhen-2: "Benign"; Align-GVGD: "Class C0". The isoleucine amino acid residue is found in multiple mammalian species, which suggests that this missense change does not adversely affect protein function. In summary, the available evidence is currently insufficient to determine the role of this variant in disease. Therefore, it has been classified as a Variant of Uncertain Significance.

NM_000787.4(DBH):c.826G>A (p.Val276Ile)

Gene: DBH (dopamine beta-hydroxylase; plus strand). Cytogenetic location: 9q34.2.
Variant type: single nucleotide variant.
Coding change: c.826G>A on transcript NM_000787.4 (MANE Select); coding-DNA position 826, G replaced by A.
Protein change: p.Val276Ile; replaces valine 276 with isoleucine.
Molecular consequence: missense variant.
Genome position (GRCh38, 1-based): chr9:133,643,494, G>A. VCF-style: chr9-133643494-G-A. GRCh37 (hg19) VCF-style: chr9-136508616-G-A.
Other names: c.826G>A (NM_000787.3); short protein forms V276I.
Identifiers: ClinVar variation 1525253 (VCV001525253.7), dbSNP rs770756255, ClinGen allele CA5313206.
Genomic context (GRCh38, chr9:133,643,494, plus strand): 5'-GGCAATGAGGCCCTTGTCCACCACATGGAAGTCTTCCAGTGCGCCCCCGAGATGGACAGC[G>A]TCCCCCACTTCAGCGGGCCCTGCGACTCCAAGATGAAACCCGACCGCCTCAACTACTGCC-3'
Protein context (NP_000778.3, residues 266-286): VFQCAPEMDS[Val276Ile]PHFSGPCDSK